The following is an entry in ClinVar:

NM_001267550.2(TTN):c.58760T>C (p.Ile19587Thr)

Genes: TTN (titin; minus strand), TTN-AS1 (TTN antisense RNA 1; plus strand). Cytogenetic location: 2q31.2.
Variant type: single nucleotide variant.
Coding change: c.58760T>C on transcript NM_001267550.2 (MANE Select); coding-DNA position 58760, T replaced by C.
Protein change: p.Ile19587Thr; replaces isoleucine 19587 with threonine.
Molecular consequence: missense variant.
Genome position (GRCh38, 1-based): chr2:178,593,448, A>G on the plus strand (T>C on the coding strand, the complement: TTN is on the minus strand). VCF-style: chr2-178593448-A-G. GRCh37 (hg19) VCF-style: chr2-179458175-A-G.
Other names: c.53837T>C, p.Ile17946Thr (NM_001256850.1); c.31565T>C, p.Ile10522Thr (NM_003319.4); c.51056T>C, p.Ile17019Thr (NM_133378.4); c.31940T>C, p.Ile10647Thr (NM_133432.3); c.32141T>C, p.Ile10714Thr (NM_133437.4); short protein forms I10522T, I10647T, I10714T, I17019T, I17946T, I19587T.
Identifiers: ClinVar variation 1707825 (VCV001707825.2), dbSNP rs2154186384, ClinGen allele CA349502292.

ClinVar aggregate classification (germline): Uncertain significance (1 of 4 stars; one submission).

Submission:

GeneDx
Classification: Uncertain significance. Last evaluated: 2022-09-27. Review status: criteria provided, single submitter. Criteria: GeneDx Variant Classification Process June 2021. Collection method: clinical testing. Allele origin: germline. Affected: yes.
Comment: Not observed at significant frequency in large population cohorts (gnomAD); Missense variant in a gene in which most reported pathogenic variants are truncating/loss of function; Has not been previously published as pathogenic or benign to our knowledge